The following is an entry in ClinVar:

NM_153704.6(TMEM67):c.2345A>G (p.His782Arg)

Gene: TMEM67 (transmembrane protein 67; plus strand). Cytogenetic location: 8q22.1.
Variant type: single nucleotide variant.
Coding change: c.2345A>G on transcript NM_153704.6 (MANE Select); coding-DNA position 2345, A replaced by G.
Protein change: p.His782Arg; replaces histidine 782 with arginine.
Molecular consequence: missense variant. On other transcripts: non-coding transcript variant (1).
Genome position (GRCh38, 1-based): chr8:93,804,784, A>G. VCF-style: chr8-93804784-A-G. GRCh37 (hg19) VCF-style: chr8-94817012-A-G.
Other names: c.2102A>G, p.His701Arg (NM_001142301.1); short protein forms H782R, H701R.
Identifiers: ClinVar variation 1458833 (VCV001458833.6), dbSNP rs777137476, ClinGen allele CA4808285.
Genomic context (GRCh38, chr8:93,804,784, plus strand): 5'-TGAGTTGCTATTTGCTTCTTTTTATTCTCTTTTTATAGATATCAGTGTTTCTGTTATCCC[A>G]CAAATGTTTTGGATATTACATTCATGGTAGATCAGTACATGGGCATGCAGATACTAATAT-3'
Protein context (NP_714915.3, residues 772-792): MSNISVFLLS[His782Arg]KCFGYYIHGR

ClinVar aggregate classification (germline): Pathogenic (1 of 4 stars; one submission).

Conditions:
Meckel-Gruber syndrome. Also called: DYSENCEPHALIA SPLANCHNOCYSTICA; GRUBER SYNDROME; Dysencephalia splachnocystica. Identifiers: Orphanet 564, MedGen C0265215, MONDO:0018921.
Joubert syndrome. Also called: CEREBELLOPARENCHYMAL DISORDER IV; JOUBERT-BOLTSHAUSER SYNDROME; Familial aplasia of the vermis. Identifiers: Orphanet 475, MedGen C5979921, MONDO:0018772.

Allele frequency attached by ClinVar (database versions not stated): gnomAD exomes below 0.00001 and 0.00001; ExAC 0.00001.
gnomAD v4.1: 3 of 1,603,166 alleles (0.00019%); highest among the groups gnomAD compares: Non-Finnish European, 0.00026%; no homozygotes.

Submission:

Labcorp Genetics (formerly Invitae), Labcorp
Classification: Pathogenic for Joubert syndrome; Meckel-Gruber syndrome. Last evaluated: 2023-07-14. Review status: criteria provided, single submitter. Criteria: Invitae Variant Classification Sherloc (09022015). Collection method: clinical testing. Allele origin: germline.
Comment: For these reasons, this variant has been classified as Pathogenic. Algorithms developed to predict the effect of sequence changes on RNA splicing suggest that this variant may create or strengthen a splice site. Advanced modeling of protein sequence and biophysical properties (such as structural, functional, and spatial information, amino acid conservation, physicochemical variation, residue mobility, and thermodynamic stability) performed at Invitae indicates that this missense variant is expected to disrupt TMEM67 protein function. ClinVar contains an entry for this variant (Variation ID: 1458833). This missense change has been observed in individual(s) with clinical features of Joubert syndrome (PMID: 19058225). In at least one individual the data is consistent with being in trans (on the opposite chromosome) from a pathogenic variant. It has also been observed to segregate with disease in related individuals. This variant is present in population databases (rs777137476, gnomAD 0.002%). This sequence change replaces histidine, which is basic and polar, with arginine, which is basic and polar, at codon 782 of the TMEM67 protein (p.His782Arg).

Literature cited by the submitters: PubMed 19058225.